The following is an entry in ClinVar:

ClinVar aggregate classification (germline): Uncertain significance (1 of 4 stars; one submission).

Submission:

Labcorp Genetics (formerly Invitae), Labcorp
Classification: Uncertain significance. Last evaluated: 2022-11-01. Review status: criteria provided, single submitter. Criteria: Invitae Variant Classification Sherloc (09022015). Collection method: clinical testing. Allele origin: germline.
Comment: In summary, the available evidence is currently insufficient to determine the role of this variant in disease. Therefore, it has been classified as a Variant of Uncertain Significance. Algorithms developed to predict the effect of sequence changes on RNA splicing suggest that this variant may disrupt the consensus splice site. ClinVar contains an entry for this variant (Variation ID: 1476994). This variant has not been reported in the literature in individuals affected with CAPN5-related conditions. This variant is not present in population databases (gnomAD no frequency). This sequence change affects an acceptor splice site in intron 10 of the CAPN5 gene. It is expected to disrupt RNA splicing. Variants that disrupt the donor or acceptor splice site typically lead to a loss of protein function (PMID: 16199547), however the current clinical and genetic evidence is not sufficient to establish whether loss-of-function variants in CAPN5 cause disease.

Literature cited by the submitters: PubMed 16199547.

NM_004055.5(CAPN5):c.1488-1G>A

Gene: CAPN5 (calpain 5; plus strand). Cytogenetic location: 11q13.5.
Variant type: single nucleotide variant.
Coding change: c.1488-1G>A on transcript NM_004055.5 (MANE Select); the canonical splice acceptor site of the intron before coding-DNA position 1488, G replaced by A.
Molecular consequence: splice acceptor variant.
Genome position (GRCh38, 1-based): chr11:77,121,933, G>A. VCF-style: chr11-77121933-G-A. GRCh37 (hg19) VCF-style: chr11-76832979-G-A.
Identifiers: ClinVar variation 1476994 (VCV001476994.6), dbSNP rs2135489322, ClinGen allele CA381943491.
Genomic context (GRCh38, chr11:77,121,933, plus strand): 5'-TTCACCCCTGTCTTCCTGGCCCTTCTCCATCACTCCCCTCTCCCCTGCCGCCCCATATCA[G>A]GGAGCTGCGCCTGGATGAGCCCCCACACACCTGCTGGAGCTCCCTCTGTGGCTACCCCCA-3'